The following is an entry in ClinVar:

ClinVar aggregate classification (germline): Benign/Likely benign. Review status: criteria provided, multiple submitters, no conflicts (2 of 4 stars). 9 submissions from 9 submitters: Benign (4); Likely benign (3). 2 of the submissions do not count toward it. Last evaluated 2026-09-01.

Conditions:
SETD2-related disorder.
Luscan-Lumish syndrome. Identifiers: Orphanet 597738, MedGen C4085873, MONDO:0014791, OMIM 616831.

Allele frequency attached by ClinVar (database versions not stated): gnomAD exomes 0.00067 and 0.00158; ExAC 0.00242; gnomAD 0.00723; ESP Exome Variant Server 0.00810; TOPMed 0.00850; 1000 Genomes Project 0.01018; 1000 Genomes Project 30x 0.01077.
gnomAD v4.1: 2,106 of 1,551,808 alleles (0.14%); highest among the groups gnomAD compares: African/African-American, 2.5%; 28 homozygotes.

Submissions (9):

CeGaT Center for Human Genetics Tuebingen
Classification: Likely benign. Last evaluated: 2026-09-01. Review status: criteria provided, single submitter. Criteria: CeGaT Center For Human Genetics Tuebingen Variant Classification Criteria Version 2. Collection method: clinical testing. Allele origin: germline. Affected: yes. Observed: 8 variant alleles.
Comment: SETD2: BP4

Labcorp Genetics (formerly Invitae), Labcorp
Classification: Benign for Luscan-Lumish syndrome. Last evaluated: 2025-12-23. Review status: criteria provided, single submitter. Criteria: Invitae Variant Classification Sherloc (09022015). Collection method: clinical testing. Allele origin: germline.

Mayo Clinic Laboratories, Mayo Clinic
Classification: Benign. Last evaluated: 2024-07-31. Review status: criteria provided, single submitter. Criteria: ACMG Guidelines, 2015. Collection method: clinical testing. Allele origin: germline. Observed: 2 variant alleles.
Comment: BA1, BS2

Genome-Nilou Lab
Classification: Benign for Luscan-Lumish syndrome. Last evaluated: 2022-03-15. Review status: criteria provided, single submitter. Criteria: ACMG Guidelines, 2015. Collection method: clinical testing. Allele origin: germline. Affected: no.

GeneDx
Classification: Likely benign. Last evaluated: 2020-11-30. Review status: criteria provided, single submitter. Criteria: GeneDx Variant Classification Process June 2021. Collection method: clinical testing. Allele origin: germline. Affected: yes.
Comment: This variant is associated with the following publications: (PMID: 33337535)

Athena Diagnostics
Classification: Benign. Last evaluated: 2017-12-08. Review status: criteria provided, single submitter. Criteria: Athena Diagnostics Criteria. Collection method: clinical testing. Allele origin: germline.

Breakthrough Genomics
Classification: Likely benign. Review status: criteria provided, single submitter. Criteria: ACMG Guidelines, 2015. Collection method: not provided. Allele origin: germline. Inheritance: Autosomal dominant inheritance. Affected: yes.

PreventionGenetics, part of Exact Sciences
Classification: Benign for SETD2-related condition. Last evaluated: 2019-06-26. Review status: no assertion criteria provided. Collection method: clinical testing. Allele origin: germline. Not counted in ClinVar's aggregate classification.
Comment: This variant is classified as benign based on ACMG/AMP sequence variant interpretation guidelines (Richards et al. 2015 PMID: 25741868, with internal and published modifications).

ITMI
No classification provided. Condition: AllHighlyPenetrant. Last evaluated: 2013-09-19. Review status: no classification provided. Collection method: reference population. Allele origin: germline. Not counted in ClinVar's aggregate classification.
Comment: Please see associated publication for description of ethnicities

Literature cited by the submitters: PubMed 24728327 (cited by ITMI).

NM_014159.7(SETD2):c.557C>T (p.Pro186Leu)

Gene: SETD2 (SET domain containing 2, histone lysine methyltransferase; minus strand). Cytogenetic location: 3p21.31.
Variant type: single nucleotide variant.
Coding change: c.557C>T on transcript NM_014159.7 (MANE Select); coding-DNA position 557, C replaced by T.
Protein change: p.Pro186Leu; replaces proline 186 with leucine.
Molecular consequence: missense variant. On other transcripts: non-coding transcript variant (1).
Genome position (GRCh38, 1-based): chr3:47,124,079, G>A on the plus strand (C>T on the coding strand, the complement: SETD2 is on the minus strand). VCF-style: chr3-47124079-G-A. GRCh37 (hg19) VCF-style: chr3-47165569-G-A.
Other names: p.Pro186Leu; c.425C>T, p.Pro142Leu (NM_001349370.3); short protein forms P186L, P142L.
Identifiers: ClinVar variation 135224 (VCV000135224.44), dbSNP rs78759480, ClinGen allele CA162065.